The following is an entry in ClinVar:

NM_000268.4(NF2):c.923T>C (p.Met308Thr)

Gene: NF2 (NF2, moesin-ezrin-radixin like (MERLIN) tumor suppressor; plus strand). Cytogenetic location: 22q12.2.
Variant type: single nucleotide variant.
Coding change: c.923T>C on transcript NM_000268.4 (MANE Select); coding-DNA position 923, T replaced by C.
Protein change: p.Met308Thr; replaces methionine 308 with threonine.
Molecular consequence: missense variant. On other transcripts: non-coding transcript variant (1), intron variant (1).
Genome position (GRCh38, 1-based): chr22:29,668,370, T>C. VCF-style: chr22-29668370-T-C. GRCh37 (hg19) VCF-style: chr22-30064359-T-C.
Other names: c.923T>C, p.Met308Thr (NM_016418.5, NM_181825.3, NM_181832.3); c.797T>C, p.Met266Thr (NM_181828.3); c.800T>C, p.Met267Thr (NM_181829.3); c.674T>C, p.Met225Thr (NM_181830.3, NM_181831.3); c.447+26085T>C (NM_181833.3); short protein forms M225T, M266T, M267T, M308T.
Identifiers: ClinVar variation 1398582 (VCV001398582.11), dbSNP rs1462083103, ClinGen allele CA411145728.

ClinVar aggregate classification (germline): Uncertain significance. Review status: criteria provided, multiple submitters, no conflicts (2 of 4 stars). 2 submissions from 2 submitters: Uncertain significance (2). Last evaluated 2024-11-23.

Conditions:
Neurofibromatosis, type 2 (SWNV). Also called: BILATERAL ACOUSTIC NEUROFIBROMATOSIS; NF2-Related Schwannomatosis; SCHWANNOMATOSIS, VESTIBULAR. Identifiers: Orphanet 637, MedGen C0027832, MONDO:0007039, OMIM 101000. Disease mechanism: loss of function.
Hereditary cancer-predisposing syndrome. Also called: Tumor predisposition; Neoplastic Syndromes, Hereditary; Hereditary Cancer Syndrome; Hereditary neoplastic syndrome. Identifiers: Orphanet 140162, MedGen C0027672, MeSH D009386, MONDO:0015356.

Allele frequency attached by ClinVar (database versions not stated): gnomAD exomes below 0.00001.
gnomAD v4.1: 1 of 1,613,920 alleles (0.000062%); highest among the groups gnomAD compares: East Asian, 0.0022%; no homozygotes.

Submissions (2):

Ambry Genetics
Classification: Uncertain significance for Hereditary cancer-predisposing syndrome. Last evaluated: 2024-11-23. Review status: criteria provided, single submitter. Criteria: Ambry Variant Classification Scheme 2023. Collection method: clinical testing. Allele origin: germline.
Comment: The p.M308T variant (also known as c.923T>C), located in coding exon 10 of the NF2 gene, results from a T to C substitution at nucleotide position 923. The methionine at codon 308 is replaced by threonine, an amino acid with similar properties. This amino acid position is highly conserved in available vertebrate species. In addition, this alteration is predicted to be deleterious by in silico analysis. Since supporting evidence is limited at this time, the clinical significance of this alteration remains unclear.

Labcorp Genetics (formerly Invitae), Labcorp
Classification: Uncertain significance for Neurofibromatosis, type 2. Last evaluated: 2022-11-15. Review status: criteria provided, single submitter. Criteria: Invitae Variant Classification Sherloc (09022015). Collection method: clinical testing. Allele origin: germline.
Comment: ClinVar contains an entry for this variant (Variation ID: 1398582). This variant has not been reported in the literature in individuals affected with NF2-related conditions. This variant is present in population databases (no rsID available, gnomAD 0.006%). This sequence change replaces methionine, which is neutral and non-polar, with threonine, which is neutral and polar, at codon 308 of the NF2 protein (p.Met308Thr). Advanced modeling of protein sequence and biophysical properties (such as structural, functional, and spatial information, amino acid conservation, physicochemical variation, residue mobility, and thermodynamic stability) performed at Invitae indicates that this missense variant is not expected to disrupt NF2 protein function. In summary, the available evidence is currently insufficient to determine the role of this variant in disease. Therefore, it has been classified as a Variant of Uncertain Significance.